The following is an entry in ClinVar:

NM_005055.5(RAPSN):c.912+9G>A

Gene: RAPSN (receptor associated protein of the synapse; minus strand). Cytogenetic location: 11p11.2.
Variant type: single nucleotide variant.
Coding change: c.912+9G>A on transcript NM_005055.5 (MANE Select); 9 bases into the intron after coding-DNA position 912, G replaced by A.
Molecular consequence: intron variant.
Genome position (GRCh38, 1-based): chr11:47,441,602, C>T on the plus strand (G>A on the coding strand, the complement: RAPSN is on the minus strand). VCF-style: chr11-47441602-C-T. GRCh37 (hg19) VCF-style: chr11-47463154-C-T.
Other names: c.789+221G>A (NM_032645.5).
Identifiers: ClinVar variation 879239 (VCV000879239.12), dbSNP rs751790521, ClinGen allele CA5976590.

ClinVar aggregate classification (germline): Conflicting classifications of pathogenicity. Review status: criteria provided, conflicting classifications (1 of 4 stars). 5 submissions from 4 submitters: Uncertain significance (3); Likely benign (1). 1 of the submissions does not count toward it. Last evaluated 2025-07-11.

Conditions:
Fetal akinesia deformation sequence 1 (FADS1). Also called: Fetal akinesia sequence; Pena-Shokeir syndrome type I. Identifiers: Orphanet 994, MedGen C1276035, MONDO:0100101, OMIM 208150, HP:0001989.
Congenital myasthenic syndrome 11. Also called: MYASTHENIC SYNDROME, CONGENITAL, Ie; Myasthenic syndrome, congenital, 11, associated with acetylcholine receptor deficiency. Identifiers: Orphanet 590, MedGen C4225367, MONDO:0014588, OMIM 616326.
Congenital myasthenic syndrome (CMS). Also called: Congenital Myasthenic Syndromes. Identifiers: Orphanet 590, MedGen C0751882, MeSH D020294, MONDO:0018940.
RAPSN-related disorder. Also called: RAPSN-related condition; RAPSN-related disorders. Identifiers: MedGen CN239397.

Allele frequency attached by ClinVar (database versions not stated): TOPMed 0.00001; ExAC 0.00003.
gnomAD v4.1: 73 of 1,604,114 alleles (0.0046%); highest among the groups gnomAD compares: Admixed American, 0.0067%; no homozygotes.

Submissions (5):

PreventionGenetics, part of Exact Sciences
Classification: Uncertain significance for RAPSN-related condition. Last evaluated: 2025-07-11. Review status: criteria provided, single submitter. Criteria: ACMG Guidelines, 2015. Collection method: clinical testing. Allele origin: germline.
Comment: The RAPSN c.912+9G>A variant is predicted to interfere with splicing. This variant is predicted to impact splicing based on available splicing prediction programs (SpliceAI, Jaganathan et al. 2019. PubMed ID: 30661751). However, prediction programs are imperfect and we cannot be certain of the biological impact of this particular variant. To our knowledge, this variant has not been reported in the literature. This variant is reported in 0.0057% of alleles in individuals of Latino descent in gnomAD. At this time, the clinical significance of this variant is uncertain due to the absence of conclusive functional and genetic evidence.

Labcorp Genetics (formerly Invitae), Labcorp
Classification: Likely benign for Congenital myasthenic syndrome 11; Fetal akinesia deformation sequence 1. Last evaluated: 2024-09-21. Review status: criteria provided, single submitter. Criteria: Invitae Variant Classification Sherloc (09022015). Collection method: clinical testing. Allele origin: germline.

Illumina Laboratory Services, Illumina
Classification: Uncertain significance for Fetal akinesia deformation sequence 1. Last evaluated: 2018-01-13. Review status: criteria provided, single submitter. Criteria: ICSL Variant Classification Criteria 13 December 2019. Collection method: clinical testing. Allele origin: germline.

Illumina Laboratory Services, Illumina
Classification: Uncertain significance for Congenital myasthenic syndrome 11. Last evaluated: 2018-01-13. Review status: criteria provided, single submitter. Criteria: ICSL Variant Classification Criteria 13 December 2019. Collection method: clinical testing. Allele origin: germline.

Natera, Inc.
Classification: Uncertain significance for Congenital myasthenic syndrome. Last evaluated: 2019-11-11. Review status: no assertion criteria provided. Collection method: clinical testing. Allele origin: germline. Not counted in ClinVar's aggregate classification.